The following is an entry in ClinVar:

NM_002880.4(RAF1):c.11T>C (p.Ile4Thr)

Gene: RAF1 (Raf-1 proto-oncogene, serine/threonine kinase; minus strand). Cytogenetic location: 3p25.2.
Variant type: single nucleotide variant.
Coding change: c.11T>C on transcript NM_002880.4 (MANE Select); coding-DNA position 11, T replaced by C.
Protein change: p.Ile4Thr; replaces isoleucine 4 with threonine.
Molecular consequence: missense variant. On other transcripts: 5 prime UTR variant (4), non-coding transcript variant (3).
Genome position (GRCh38, 1-based): chr3:12,618,711, A>G on the plus strand (T>C on the coding strand, the complement: RAF1 is on the minus strand). VCF-style: chr3-12618711-A-G. GRCh37 (hg19) VCF-style: chr3-12660210-A-G.
Other names: c.11T>C, p.Ile4Thr (NM_001354689.3, NM_001354690.3, NM_001354693.3); c.-120T>C (NM_001354691.3, NM_001354692.3, NM_001354694.3 and 1 more transcripts); short protein forms I4T.
Identifiers: ClinVar variation 2986806 (VCV002986806.4), dbSNP rs2059454224, ClinGen allele CA351485267.

ClinVar aggregate classification (germline): Uncertain significance. Review status: criteria provided, multiple submitters, no conflicts (2 of 4 stars). 2 submissions from 2 submitters: Uncertain significance (2). Last evaluated 2026-06-12.

Conditions:
RASopathy. Also called: rasopathies; Noonan spectrum disorder. Identifiers: Orphanet 536391, MedGen C5555857, MONDO:0021060.

Allele frequency attached by ClinVar (database versions not stated): TOPMed below 0.00001; gnomAD exomes below 0.00001.
gnomAD v4.1: 1 of 1,614,170 alleles (0.000062%); highest among the groups gnomAD compares: Non-Finnish European, 0.000085%; no homozygotes.

Submissions (2):

Women's Health and Genetics/Laboratory Corporation of America, LabCorp
Classification: Uncertain significance. Last evaluated: 2026-06-12. Review status: criteria provided, single submitter. Criteria: LabCorp Variant Classification Summary - May 2015. Collection method: clinical testing. Allele origin: germline.
Comment: Variant summary: RAF1 c.11T>C (p.Ile4Thr) results in a non-conservative amino acid change in the encoded protein sequence. Algorithms developed to predict the effect of missense changes on protein structure and function are either unavailable or do not agree on the potential impact of this missense change. The variant was absent in 251410 control chromosomes. The available data on variant occurrences in the general population are insufficient to allow any conclusion about variant significance. To our knowledge, no occurrence of c.11T>C in individuals affected with RAF1-related conditions and no experimental evidence demonstrating its impact on protein function have been reported. ClinVar contains an entry for this variant (Variation ID: 2986806). Based on the evidence outlined above, the variant was classified as uncertain significance.

Labcorp Genetics (formerly Invitae), Labcorp
Classification: Uncertain significance for RASopathy. Last evaluated: 2023-10-27. Review status: criteria provided, single submitter. Criteria: Invitae Variant Classification Sherloc (09022015). Collection method: clinical testing. Allele origin: germline.
Comment: This sequence change replaces isoleucine, which is neutral and non-polar, with threonine, which is neutral and polar, at codon 4 of the RAF1 protein (p.Ile4Thr). This variant is not present in population databases (gnomAD no frequency). This variant has not been reported in the literature in individuals affected with RAF1-related conditions. Advanced modeling of protein sequence and biophysical properties (such as structural, functional, and spatial information, amino acid conservation, physicochemical variation, residue mobility, and thermodynamic stability) performed at Invitae indicates that this missense variant is not expected to disrupt RAF1 protein function with a negative predictive value of 95%. In summary, the available evidence is currently insufficient to determine the role of this variant in disease. Therefore, it has been classified as a Variant of Uncertain Significance.